The following is an entry in ClinVar:

ClinVar aggregate classification (germline): Uncertain significance. Review status: criteria provided, multiple submitters, no conflicts (2 of 4 stars). 3 submissions from 3 submitters: Uncertain significance (3). Last evaluated 2025-07-28.

Conditions:
Retinal dystrophy. Also called: Inherited retinal dystrophy. Identifiers: Orphanet 71862, MedGen C0854723, MeSH D058499, MONDO:0019118, HP:0000556.
Retinitis pigmentosa (RP). Identifiers: Orphanet 791, MedGen C0035334, MeSH D012174, MONDO:0019200, OMIM 268000. Inheritance: Autosomal dominant, autosomal recessive and X linked inheritance.

Allele frequency attached by ClinVar (database versions not stated): gnomAD 0.00001 and 0.00004; gnomAD exomes 0.00005 and 0.00009; TOPMed 0.00005; ExAC 0.00013; 1000 Genomes Project 0.00060; 1000 Genomes Project 30x 0.00078.
gnomAD v4.1: 72 of 1,613,024 alleles (0.0045%); highest among the groups gnomAD compares: East Asian, 0.16%; 1 homozygote.

Submissions (3):

Labcorp Genetics (formerly Invitae), Labcorp
Classification: Uncertain significance. Last evaluated: 2025-07-28. Review status: criteria provided, single submitter. Criteria: Invitae Variant Classification Sherloc (09022015). Collection method: clinical testing. Allele origin: germline.
Comment: This sequence change replaces alanine, which is neutral and non-polar, with serine, which is neutral and polar, at codon 263 of the RBP3 protein (p.Ala263Ser). This variant is present in population databases (rs77257977, gnomAD 0.1%). This missense change has been observed in individual(s) with autosomal recessive retinitis pigmentosa (PMID: 28512305, 33629268). ClinVar contains an entry for this variant (Variation ID: 299994). Invitae Evidence Modeling of protein sequence and biophysical properties (such as structural, functional, and spatial information, amino acid conservation, physicochemical variation, residue mobility, and thermodynamic stability) indicates that this missense variant is not expected to disrupt RBP3 protein function with a negative predictive value of 80%. In summary, the available evidence is currently insufficient to determine the role of this variant in disease. Therefore, it has been classified as a Variant of Uncertain Significance.

Dept Of Ophthalmology, Nagoya University
Classification: Uncertain significance for Retinal dystrophy. Last evaluated: 2023-10-01. Review status: criteria provided, single submitter. Criteria: Submitter's publication. Collection method: research. Allele origin: germline. Affected: yes.

Illumina Laboratory Services, Illumina
Classification: Uncertain significance for Retinitis pigmentosa. Last evaluated: 2018-01-13. Review status: criteria provided, single submitter. Criteria: ICSL Variant Classification Criteria 13 December 2019. Collection method: clinical testing. Allele origin: germline.

Literature cited by the submitters: PubMed 28512305 (cited by Labcorp Genetics (formerly Invitae), Labcorp); PubMed 33629268 (cited by Labcorp Genetics (formerly Invitae), Labcorp).

NM_002900.3(RBP3):c.787G>T (p.Ala263Ser)

Gene: RBP3 (retinol binding protein 3; plus strand). Cytogenetic location: 10q11.22.
Variant type: single nucleotide variant.
Coding change: c.787G>T on transcript NM_002900.3 (MANE Select); coding-DNA position 787, G replaced by T.
Protein change: p.Ala263Ser; replaces alanine 263 with serine.
Molecular consequence: missense variant.
Genome position (GRCh38, 1-based): chr10:47,349,271, G>T. VCF-style: chr10-47349271-G-T. GRCh37 (hg19) VCF-style: chr10-48390091-C-A.
Other names: short protein forms A263S.
Identifiers: ClinVar variation 299994 (VCV000299994.14), dbSNP rs77257977, ClinGen allele CA5487692.
Genomic context (GRCh38, chr10:47,349,271, plus strand): 5'-GCGCACATCCTTAAGCAGATGCGCAGGGCCATCGTGGTGGGCGAGCGGACTGGGGGAGGG[G>T]CCCTGGACCTCCGGAAGCTGAGGATAGGCGAGTCTGACTTCTTCTTCACGGTGCCCGTGT-3'
Protein context (NP_002891.1, residues 253-273): IVVGERTGGG[Ala263Ser]LDLRKLRIGE